The following is an entry in ClinVar:

ClinVar aggregate classification (germline): Uncertain significance (1 of 4 stars; one submission).

Submission:

Labcorp Genetics (formerly Invitae), Labcorp
Classification: Uncertain significance. Last evaluated: 2022-07-19. Review status: criteria provided, single submitter. Criteria: Invitae Variant Classification Sherloc (09022015). Collection method: clinical testing. Allele origin: germline.
Comment: In summary, the available evidence is currently insufficient to determine the role of this variant in disease. Therefore, it has been classified as a Variant of Uncertain Significance. Algorithms developed to predict the effect of missense changes on protein structure and function are either unavailable or do not agree on the potential impact of this missense change (SIFT: "Deleterious"; PolyPhen-2: "Possibly Damaging"; Align-GVGD: "Class C0"). ClinVar contains an entry for this variant (Variation ID: 1514702). This variant has not been reported in the literature in individuals affected with ACER3-related conditions. This variant is not present in population databases (gnomAD no frequency). This sequence change replaces valine, which is neutral and non-polar, with methionine, which is neutral and non-polar, at codon 249 of the ACER3 protein (p.Val249Met).

NM_018367.7(ACER3):c.745G>A (p.Val249Met)

Gene: ACER3 (alkaline ceramidase 3; plus strand). Cytogenetic location: 11q13.5.
Variant type: single nucleotide variant.
Coding change: c.745G>A on transcript NM_018367.7 (MANE Select); coding-DNA position 745, G replaced by A.
Protein change: p.Val249Met; replaces valine 249 with methionine.
Molecular consequence: missense variant.
Genome position (GRCh38, 1-based): chr11:77,019,771, G>A. VCF-style: chr11-77019771-G-A. GRCh37 (hg19) VCF-style: chr11-76730815-G-A.
Other names: c.634G>A, p.Val212Met (NM_001300953.2); c.460G>A, p.Val154Met (NM_001300954.2, NM_001300955.2); short protein forms V154M, V212M, V249M.
Identifiers: ClinVar variation 1514702 (VCV001514702.6), dbSNP rs1949440680, ClinGen allele CA381924506.
Genomic context (GRCh38, chr11:77,019,771, plus strand): 5'-CCCTCCCACTTTTCTTTCAGTTTGTATACAAGAACACTTTACCTGAGATATAGGCCAAAA[G>A]TGAAGGTAAGTCCACTTCCTAGGTCCTGTGTGTGTGTTGGGGGTATGGTACTGGGAGTAT-3'
Protein context (NP_060837.3, residues 239-259): RTLYLRYRPK[Val249Met]KFLFGIWPVI